The following is an entry in ClinVar:

NM_000152.5(GAA):c.988T>G (p.Trp330Gly)

Gene: GAA (alpha glucosidase; plus strand). Cytogenetic location: 17q25.3.
Variant type: single nucleotide variant.
Coding change: c.988T>G on transcript NM_000152.5 (MANE Select); coding-DNA position 988, T replaced by G.
Protein change: p.Trp330Gly; replaces tryptophan 330 with glycine.
Molecular consequence: missense variant.
Genome position (GRCh38, 1-based): chr17:80,108,322, T>G. VCF-style: chr17-80108322-T-G. GRCh37 (hg19) VCF-style: chr17-78082121-T-G.
Other names: c.988T>G, p.Trp330Gly (NM_001079803.3, NM_001079804.3, NM_001406741.1 and 1 more transcripts); short protein forms W330G.
Identifiers: ClinVar variation 4876304 (VCV004876304.1).

ClinVar aggregate classification (germline): Likely pathogenic (1 of 4 stars; one submission).

Conditions:
Glycogen storage disease, type II (IOPD). Also called: Pompe Disease; CARDIOMEGALIA GLYCOGENICA DIFFUSA; GLYCOGENOSIS, GENERALIZED, CARDIAC FORM; GSD II; POMPE DISEASE, INFANTILE-ONSET; GLYCOGEN STORAGE DISEASE II, INFANTILE-ONSET. Identifiers: Orphanet 365, MedGen C0017921, MONDO:0009290, OMIM 232300.

Submission:

Genomenon, Inc
Classification: Likely pathogenic for Glycogen storage disease, type II. Last evaluated: 2026-07-01. Review status: criteria provided, single submitter. Criteria: Genomenon Sequence Variant Interpretation Standards - Updated. Collection method: curation. Allele origin: germline. Affected: yes.
Comment: GAA p.Trp330Gly (c.988T>G) is a missense variant that changes the amino acid at codon 330 from Tryptophan to Glycine. This variant has been observed in at least one proband with a GAA-related disorder in the compound heterozygous and/or homozygous state (PMID:16782080;24269976). At least one functional study has demonstrated a substantial alteration in protein function relative to the wild-type (PMID:16782080;19862843). It is absent or not present at a significant frequency in gnomAD. In silico models predict that this variant is possibly or probably damaging. In conclusion, we classify GAA p.Trp330Gly (c.988T>G) as a likely pathogenic variant.

Literature cited by the submitters: PubMed 16782080; PubMed 24269976; PubMed 19862843.